The following is an entry in ClinVar:

ClinVar aggregate classification (germline): Uncertain significance (1 of 4 stars; one submission).

Allele frequency attached by ClinVar (database versions not stated): TOPMed below 0.00001; gnomAD 0.00001.

Submission:

Labcorp Genetics (formerly Invitae), Labcorp
Classification: Uncertain significance. Last evaluated: 2024-01-06. Review status: criteria provided, single submitter. Criteria: Invitae Variant Classification Sherloc (09022015). Collection method: clinical testing. Allele origin: germline.
Comment: This sequence change replaces alanine, which is neutral and non-polar, with proline, which is neutral and non-polar, at codon 199 of the WNT5A protein (p.Ala199Pro). This variant is not present in population databases (gnomAD no frequency). This variant has not been reported in the literature in individuals affected with WNT5A-related conditions. ClinVar contains an entry for this variant (Variation ID: 1961906). Advanced modeling of protein sequence and biophysical properties (such as structural, functional, and spatial information, amino acid conservation, physicochemical variation, residue mobility, and thermodynamic stability) performed at Invitae indicates that this missense variant is not expected to disrupt WNT5A protein function with a negative predictive value of 80%. In summary, the available evidence is currently insufficient to determine the role of this variant in disease. Therefore, it has been classified as a Variant of Uncertain Significance.

NM_003392.7(WNT5A):c.595G>C (p.Ala199Pro)

Gene: WNT5A (Wnt family member 5A; minus strand). Cytogenetic location: 3p14.3.
Variant type: single nucleotide variant.
Coding change: c.595G>C on transcript NM_003392.7 (MANE Select); coding-DNA position 595, G replaced by C.
Protein change: p.Ala199Pro; replaces alanine 199 with proline.
Molecular consequence: missense variant.
Genome position (GRCh38, 1-based): chr3:55,474,426, C>G on the plus strand (G>C on the coding strand, the complement: WNT5A is on the minus strand). VCF-style: chr3-55474426-C-G. GRCh37 (hg19) VCF-style: chr3-55508454-C-G.
Other names: c.550G>C, p.Ala184Pro (NM_001256105.1, NM_001377271.1, NM_001377272.1); short protein forms A199P, A184P.
Identifiers: ClinVar variation 1961906 (VCV001961906.5), dbSNP rs181787192, ClinGen allele CA353274741.
Genomic context (GRCh38, chr3:55,474,426, plus strand): 5'-TCATGAGGATGCGAGCACTCTCGTAGGAGCCCTTGGCGTGGATGCGCTCCCGCTCGCGGG[C>G]GTCCACGAACTCCTTGGCAAAGCGGTAGCCATAGTCGATGTTGTCGCCGCAGCCGCCCCA-3'
Protein context (NP_003383.4, residues 189-209): GYRFAKEFVD[Ala199Pro]RERERIHAKG